The following is an entry in ClinVar:

NM_000198.4(HSD3B2):c.281_282del (p.Glu94fs)

Gene: HSD3B2 (hydroxy-delta-5-steroid dehydrogenase, 3 beta- and steroid delta-isomerase 2; plus strand). Cytogenetic location: 1p12.
Variant type: Microsatellite.
Coding change: c.281_282del on transcript NM_000198.4 (MANE Select); coding-DNA positions 281 to 282, 2 bases deleted (AG; older notation c.281_282delAG).
Protein change: p.Glu94fs; shifts the reading frame from glutamic acid 94.
Molecular consequence: frameshift variant.
Genome position (GRCh38, 1-based): chr1:119,419,556-119,419,557, AG deleted; deleting any 2 consecutive bases within chr1:119,419,552-119,419,557 gives the same sequence; the c. name uses the placement nearest the transcript's 3' end. VCF-style (leftmost placement, unchanged base first): chr1-119419551-CAG-C. GRCh37 (hg19) VCF-style: chr1-119962174-CAG-C.
Other names: c.281_282del, p.Glu94fs (NM_001166120.2); c.281_282delAG (NM_000198.4); short protein forms E94fs.
Identifiers: ClinVar variation 4887241 (VCV004887241.1).

ClinVar aggregate classification (germline): Pathogenic (1 of 4 stars; one submission).

Conditions:
Congenital adrenal hyperplasia. Identifiers: Orphanet 418, MedGen C0001627, MONDO:0018479, HP:0008258.

Submission:

Women's Health and Genetics/Laboratory Corporation of America, LabCorp
Classification: Pathogenic for Congenital adrenal hyperplasia. Last evaluated: 2026-06-30. Review status: criteria provided, single submitter. Criteria: LabCorp Variant Classification Summary - May 2015. Collection method: clinical testing. Allele origin: germline.
Comment: Variant summary: HSD3B2 c.281_282delAG (p.Glu94ValfsX30) results in a premature termination codon, predicted to cause a truncation of the encoded protein or absence of the protein due to nonsense mediated decay, which are commonly known mechanisms for disease. The variant was absent in 251052 control chromosomes. To our knowledge, no occurrence of c.281_282delAG in individuals affected with HSD3B2-related conditions and no experimental evidence demonstrating its impact on protein function have been reported. At least one downstream variant has been classified as Pathogenic (c.745C>T, p.Arg249X) by our lab, providing evidence that the region altered by the variant is critical to protein function. No submitters have cited clinical-significance assessments for this variant to ClinVar. Based on the evidence outlined above, the variant was classified as pathogenic.